The following is an entry in ClinVar:

NM_004415.4(DSP):c.3696C>G (p.Ser1232=)

Gene: DSP (desmoplakin; plus strand). Cytogenetic location: 6p24.3.
Variant type: single nucleotide variant.
Coding change: c.3696C>G on transcript NM_004415.4 (MANE Select); coding-DNA position 3696, C replaced by G.
Protein change: p.Ser1232=; no amino-acid change (serine 1232 retained).
Molecular consequence: synonymous variant. On other transcripts: intron variant (1).
Genome position (GRCh38, 1-based): chr6:7,579,886, C>G. VCF-style: chr6-7579886-C-G. GRCh37 (hg19) VCF-style: chr6-7580119-C-G.
Other names: c.3696C>G, p.Ser1232= (NM_001319034.2); c.3582+114C>G (NM_001008844.3).
Identifiers: ClinVar variation 920688 (VCV000920688.15), dbSNP rs141120358, ClinGen allele CA038761.
Genomic context (GRCh38, chr6:7,579,886, plus strand): 5'-AGAGATTAACATTACGAAGACCACCATCAAGGAGATATCCATGCAAAAAGAGGATGATTC[C>G]AAAAATCTTAGAAACCAGCTTGATAGACTTTCAAGGGAAAATCGAGATCTGAAGGATGAA-3'
Protein context (NP_004406.2, residues 1222-1242): KEISMQKEDD[Ser1232=]KNLRNQLDRL

ClinVar aggregate classification (germline): Likely benign. Review status: criteria provided, multiple submitters, no conflicts (2 of 4 stars). 5 submissions from 5 submitters: Likely benign (5). Last evaluated 2025-10-28.

Conditions:
Cardiovascular phenotype. Identifiers: MedGen CN230736.
Cardiomyopathy (CMYO). Also called: Cardiomyopathies. Identifiers: Orphanet 167848, MedGen C0878544, MONDO:0004994, HP:0001638. Inheritance: Various modes of inheritance.
Arrhythmogenic cardiomyopathy with wooly hair and keratoderma. Also called: Carvajal syndrome; PALMOPLANTAR KERATODERMA WITH LEFT VENTRICULAR CARDIOMYOPATHY AND WOOLLY HAIR; Dilated cardiomyopathy with woolly hair and keratoderma; Arrhythmogenic cardiomyopathy with woolly hair and keratoderma. Identifiers: Orphanet 65282, MedGen C1854063, MONDO:0011581, OMIM 605676.
Arrhythmogenic right ventricular dysplasia 8 (ARVD8). Also called: Arrhythmogenic Right Ventricular Dysplasia/Cardiomyopathy 8; ARRHYTHMOGENIC RIGHT VENTRICULAR DYSPLASIA, FAMILIAL, 8; ARRHYTHMOGENIC RIGHT VENTRICULAR CARDIOMYOPATHY 8. Identifiers: MedGen C1843896, MONDO:0011831, OMIM 607450.

Submissions (5):

Labcorp Genetics (formerly Invitae), Labcorp
Classification: Likely benign for Arrhythmogenic cardiomyopathy with wooly hair and keratoderma; Arrhythmogenic right ventricular dysplasia 8. Last evaluated: 2025-10-28. Review status: criteria provided, single submitter. Criteria: Invitae Variant Classification Sherloc (09022015). Collection method: clinical testing. Allele origin: germline.

Blueprint Genetics
Classification: Likely benign. Last evaluated: 2024-08-05. Review status: criteria provided, single submitter. Criteria: ACMG Guidelines, 2015. Collection method: clinical testing. Allele origin: germline.

All of Us Research Program, National Institutes of Health
Classification: Likely benign for Arrhythmogenic cardiomyopathy with wooly hair and keratoderma. Last evaluated: 2023-12-13. Review status: criteria provided, single submitter. Criteria: ACMG Guidelines, 2015. Collection method: clinical testing. Allele origin: germline. Inheritance: Autosomal dominant inheritance. Observed: 3 variant alleles, 3 heterozygotes.
Comment: This study involves interpretation of variants in research participants for the purpose of population health screening. Participant phenotype was not available at the time of variant classification. Additional details can be found in publication PMID: 35346344, PMCID: PMC8962531

Color Diagnostics, LLC DBA Color Health
Classification: Likely benign for Cardiomyopathy. Last evaluated: 2018-11-23. Review status: criteria provided, single submitter. Criteria: ACMG Guidelines, 2015. Collection method: clinical testing. Allele origin: germline.

Ambry Genetics
Classification: Likely benign for Cardiovascular phenotype. Last evaluated: 2018-11-14. Review status: criteria provided, single submitter. Criteria: Ambry Variant Classification Scheme 2023. Collection method: clinical testing. Allele origin: germline.